The following is an entry in ClinVar:

NM_032447.5(FBN3):c.3946G>A (p.Gly1316Ser)

Gene: FBN3 (fibrillin 3; minus strand). Cytogenetic location: 19p13.2.
Variant type: single nucleotide variant.
Coding change: c.3946G>A on transcript NM_032447.5 (MANE Select); coding-DNA position 3946, G replaced by A.
Protein change: p.Gly1316Ser; replaces glycine 1316 with serine.
Molecular consequence: missense variant.
Genome position (GRCh38, 1-based): chr19:8,111,992, C>T on the plus strand (G>A on the coding strand, the complement: FBN3 is on the minus strand). VCF-style: chr19-8111992-C-T. GRCh37 (hg19) VCF-style: chr19-8176876-C-T.
Other names: c.3946G>A, p.Gly1316Ser (NM_001321431.2); short protein forms G1316S.
Identifiers: ClinVar variation 3849231 (VCV003849231.2).

ClinVar aggregate classification (germline): Uncertain significance. Review status: criteria provided, multiple submitters, no conflicts (2 of 4 stars). 2 submissions from 2 submitters: Uncertain significance (2). Last evaluated 2025-04-01.

gnomAD v4.1: 57 of 1,608,558 alleles (0.0035%); highest among the groups gnomAD compares: African/African-American, 0.058%; no homozygotes.

Submissions (2):

Labcorp Genetics (formerly Invitae), Labcorp
Classification: Uncertain significance. Last evaluated: 2025-04-01. Review status: criteria provided, single submitter. Criteria: Invitae Variant Classification Sherloc (09022015). Collection method: clinical testing. Allele origin: germline.
Comment: This sequence change replaces glycine, which is neutral and non-polar, with serine, which is neutral and polar, at codon 1316 of the FBN3 protein (p.Gly1316Ser). This variant is present in population databases (rs570844230, gnomAD 0.05%). This variant has not been reported in the literature in individuals affected with FBN3-related conditions. Invitae Evidence Modeling of protein sequence and biophysical properties (such as structural, functional, and spatial information, amino acid conservation, physicochemical variation, residue mobility, and thermodynamic stability) indicates that this missense variant is expected to disrupt FBN3 protein function with a positive predictive value of 80%. In summary, the available evidence is currently insufficient to determine the role of this variant in disease. Therefore, it has been classified as a Variant of Uncertain Significance.

Ambry Genetics
Classification: Uncertain significance. Last evaluated: 2025-01-08. Review status: criteria provided, single submitter. Criteria: Ambry Variant Classification Scheme 2023. Collection method: clinical testing. Allele origin: germline.